The following is an entry in ClinVar:

NM_022124.6(CDH23):c.8433G>A (p.Trp2811Ter)

Gene: CDH23 (cadherin related 23; plus strand). Cytogenetic location: 10q22.1.
Variant type: single nucleotide variant.
Coding change: c.8433G>A on transcript NM_022124.6 (MANE Select); coding-DNA position 8433, G replaced by A.
Protein change: p.Trp2811Ter; replaces tryptophan 2811 with a stop codon.
Molecular consequence: nonsense.
Genome position (GRCh38, 1-based): chr10:71,807,640, G>A. VCF-style: chr10-71807640-G-A. GRCh37 (hg19) VCF-style: chr10-73567397-G-A.
Other names: c.1713G>A, p.Trp571Ter (NM_001171933.1, NM_001171934.1); short protein forms W2811*, W571*.
Identifiers: ClinVar variation 1371175 (VCV001371175.7), dbSNP rs757053706, ClinGen allele CA5546651.

ClinVar aggregate classification (germline): Pathogenic. Review status: criteria provided, multiple submitters, no conflicts (2 of 4 stars). 2 submissions from 2 submitters: Pathogenic (2). Last evaluated 2023-12-20.

Conditions:
Usher syndrome type 1D (USH1D). Also called: USHER SYNDROME, TYPE ID. Identifiers: Orphanet 231169, Orphanet 886, MedGen C1832845, MONDO:0010984, OMIM 601067.

Allele frequency attached by ClinVar (database versions not stated): gnomAD exomes below 0.00001; ExAC 0.00001.
gnomAD v4.1: 1 of 1,613,968 alleles (0.000062%); highest among the groups gnomAD compares: Admixed American, 0.0017%; no homozygotes.

Submissions (2):

3billion
Classification: Pathogenic for Usher syndrome type 1D. Last evaluated: 2023-12-20. Review status: criteria provided, single submitter. Criteria: ACMG Guidelines, 2015. Collection method: clinical testing. Allele origin: germline. Affected: yes.
Comment: The variant is observed at an extremely low frequency in the gnomAD v2.1.1 dataset (total allele frequency: <0.001%). Predicted Consequence/Location: Stop-gained (nonsense): predicted to result in a loss or disruption of normal protein function through nonsense-mediated decay (NMD) or protein truncation. Multiple pathogenic variants are reported downstream of the variant. The variant has been reported to be associated with CDH23 related disorder (ClinVar ID: VCV001371175). Therefore, this variant is classified as Pathogenic according to the recommendation of ACMG/AMP guideline.

Labcorp Genetics (formerly Invitae), Labcorp
Classification: Pathogenic. Last evaluated: 2021-09-17. Review status: criteria provided, single submitter. Criteria: Invitae Variant Classification Sherloc (09022015). Collection method: clinical testing. Allele origin: germline.
Comment: For these reasons, this variant has been classified as Pathogenic. This premature translational stop signal has been observed in individual(s) with Usher syndrome (PMID: 27460420). This variant is present in population databases (rs757053706, ExAC 0.009%). This sequence change creates a premature translational stop signal (p.Trp2811*) in the CDH23 gene. It is expected to result in an absent or disrupted protein product. Loss-of-function variants in CDH23 are known to be pathogenic (PMID: 11138009, 21940737).

Literature cited by the submitters: PubMed 27460420 (cited by Labcorp Genetics (formerly Invitae), Labcorp); PubMed 11138009 (cited by Labcorp Genetics (formerly Invitae), Labcorp); PubMed 21940737 (cited by Labcorp Genetics (formerly Invitae), Labcorp).